The following is an entry in ClinVar:

ClinVar aggregate classification (germline): Uncertain significance. Review status: criteria provided, multiple submitters, no conflicts (2 of 4 stars). 3 submissions from 3 submitters: Uncertain significance (3). Last evaluated 2024-10-01.

Conditions:
Aortic aneurysm, familial thoracic 8 (AAT8). Identifiers: MedGen C3809513, MONDO:0014187, OMIM 615436.
Familial thoracic aortic aneurysm and aortic dissection (TAAD). Also called: Thoracic aortic aneurysms and dissections. Identifiers: Orphanet 91387, MedGen C4707243, MONDO:0019625.

Allele frequency attached by ClinVar (database versions not stated): gnomAD exomes below 0.00001; gnomAD 0.00001; TOPMed 0.00001.
gnomAD v4.1: 6 of 1,601,346 alleles (0.00037%); highest among the groups gnomAD compares: Admixed American, 0.005%; no homozygotes.

Submissions (3):

Ambry Genetics
Classification: Uncertain significance for Familial thoracic aortic aneurysm and aortic dissection. Last evaluated: 2024-10-01. Review status: criteria provided, single submitter. Criteria: Ambry Variant Classification Scheme 2023. Collection method: clinical testing. Allele origin: germline.

Labcorp Genetics (formerly Invitae), Labcorp
Classification: Uncertain significance for Aortic aneurysm, familial thoracic 8. Last evaluated: 2024-04-17. Review status: criteria provided, single submitter. Criteria: Invitae Variant Classification Sherloc (09022015). Collection method: clinical testing. Allele origin: germline.
Comment: This sequence change replaces isoleucine, which is neutral and non-polar, with threonine, which is neutral and polar, at codon 207 of the PRKG1 protein (p.Ile207Thr). This variant is not present in population databases (gnomAD no frequency). This variant has not been reported in the literature in individuals affected with PRKG1-related conditions. ClinVar contains an entry for this variant (Variation ID: 2500619). An algorithm developed to predict the effect of missense changes on protein structure and function (PolyPhen-2) suggests that this variant is likely to be disruptive. In summary, the available evidence is currently insufficient to determine the role of this variant in disease. Therefore, it has been classified as a Variant of Uncertain Significance.

GeneDx
Classification: Uncertain significance. Last evaluated: 2023-04-25. Review status: criteria provided, single submitter. Criteria: GeneDx Variant Classification Process June 2021. Collection method: clinical testing. Allele origin: germline. Affected: yes.
Comment: Has not been previously published as pathogenic or benign to our knowledge; Not observed at significant frequency in large population cohorts (gnomAD); In silico analysis supports that this missense variant has a deleterious effect on protein structure/function

NM_006258.4(PRKG1):c.620T>C (p.Ile207Thr)

Gene: PRKG1 (protein kinase cGMP-dependent 1; plus strand). Cytogenetic location: 10q21.1.
Variant type: single nucleotide variant.
Coding change: c.620T>C on transcript NM_006258.4 (MANE Select); coding-DNA position 620, T replaced by C.
Protein change: p.Ile207Thr; replaces isoleucine 207 with threonine.
Molecular consequence: missense variant.
Genome position (GRCh38, 1-based): chr10:51,804,612, T>C. VCF-style: chr10-51804612-T-C. GRCh37 (hg19) VCF-style: chr10-53564372-T-C.
Other names: c.575T>C, p.Ile192Thr (NM_001098512.3); c.620T>C, p.Ile207Thr (NM_001374782.1); short protein forms I192T, I207T.
Identifiers: ClinVar variation 2500619 (VCV002500619.4), dbSNP rs937723836, ClinGen allele CA207346851.